The following is an entry in ClinVar:

NM_000038.6(APC):c.6426C>G (p.Ile2142Met)

Gene: APC (APC regulator of Wnt signaling pathway; plus strand). Cytogenetic location: 5q22.2.
Variant type: single nucleotide variant.
Coding change: c.6426C>G on transcript NM_000038.6 (MANE Select); coding-DNA position 6426, C replaced by G.
Protein change: p.Ile2142Met; replaces isoleucine 2142 with methionine.
Molecular consequence: missense variant.
Genome position (GRCh38, 1-based): chr5:112,842,020, C>G. VCF-style: chr5-112842020-C-G. GRCh37 (hg19) VCF-style: chr5-112177717-C-G.
Other names: c.6426C>G, p.Ile2142Met (NM_001127510.3, NM_001354895.2); c.6372C>G, p.Ile2124Met (NM_001127511.3); c.6480C>G, p.Ile2160Met (NM_001354896.2); c.6456C>G, p.Ile2152Met (NM_001354897.2); c.6351C>G, p.Ile2117Met (NM_001354898.2); c.6342C>G, p.Ile2114Met (NM_001354899.2); c.6303C>G, p.Ile2101Met (NM_001354900.2); c.6249C>G, p.Ile2083Met (NM_001354901.2); and 5 more; short protein forms I2083M, I2142M, I2160M, I1859M, I2101M, I1982M, I2051M, I2124M.
Identifiers: ClinVar variation 826395 (VCV000826395.13), dbSNP rs1554087419, ClinGen allele CA16035396.

ClinVar aggregate classification (germline): Uncertain significance. Review status: criteria provided, multiple submitters, no conflicts (2 of 4 stars). 4 submissions from 4 submitters: Uncertain significance (4). Last evaluated 2025-09-11.

Conditions:
Hereditary cancer-predisposing syndrome. Also called: Neoplastic Syndromes, Hereditary; Tumor predisposition; Hereditary neoplastic syndrome; Hereditary Cancer Syndrome. Identifiers: Orphanet 140162, MedGen C0027672, MeSH D009386, MONDO:0015356.
Familial adenomatous polyposis 1 (FAP1). Also called: POLYPOSIS, ADENOMATOUS INTESTINAL; FAMILIAL ADENOMATOUS POLYPOSIS 1, ATTENUATED. Identifiers: MedGen C2713442, MONDO:0021056, OMIM 175100. Disease mechanism: loss of function.
APC-related disorder. Also called: APC-related condition.

Allele frequency attached by ClinVar (database versions not stated): gnomAD exomes below 0.00001; TOPMed below 0.00001.
gnomAD v4.1: 2 of 1,613,364 alleles (0.00012%); highest among the groups gnomAD compares: African/African-American, 0.0013%; no homozygotes.

Submissions (4):

Color Diagnostics, LLC DBA Color Health
Classification: Uncertain significance for Hereditary cancer-predisposing syndrome. Last evaluated: 2025-09-11. Review status: criteria provided, single submitter. Criteria: ACMG Guidelines, 2015. Collection method: clinical testing. Allele origin: germline.
Comment: This missense variant replaces isoleucine with methionine at codon 2142 of the APC protein. Computational prediction suggests that this variant may not impact protein structure and function. APC is defined as a gene for which primarily truncating variants are known to cause disease (ClinGen HCCP VCEP). To our knowledge, functional studies have not been reported for this variant. This variant has not been reported in individuals affected with APC-related disorders in the literature. This variant has not been identified in the general population by the Genome Aggregation Database (gnomAD). The available evidence is insufficient to determine the role of this variant in disease conclusively. Therefore, this variant is classified as a Variant of Uncertain Significance.

Labcorp Genetics (formerly Invitae), Labcorp
Classification: Uncertain significance for Familial adenomatous polyposis 1. Last evaluated: 2025-06-25. Review status: criteria provided, single submitter. Criteria: Invitae Variant Classification Sherloc (09022015). Collection method: clinical testing. Allele origin: germline.
Comment: This sequence change replaces isoleucine, which is neutral and non-polar, with methionine, which is neutral and non-polar, at codon 2142 of the APC protein (p.Ile2142Met). This variant is not present in population databases (gnomAD no frequency). This variant has not been reported in the literature in individuals affected with APC-related conditions. ClinVar contains an entry for this variant (Variation ID: 826395). Invitae Evidence Modeling of protein sequence and biophysical properties (such as structural, functional, and spatial information, amino acid conservation, physicochemical variation, residue mobility, and thermodynamic stability) indicates that this missense variant is not expected to disrupt APC protein function with a negative predictive value of 95%. In summary, the available evidence is currently insufficient to determine the role of this variant in disease. Therefore, it has been classified as a Variant of Uncertain Significance.

PreventionGenetics, part of Exact Sciences
Classification: Uncertain significance for APC-related condition. Last evaluated: 2022-12-07. Review status: criteria provided, single submitter. Criteria: ACMG Guidelines, 2015. Collection method: clinical testing. Allele origin: germline.
Comment: The APC c.6426C>G variant is predicted to result in the amino acid substitution p.Ile2142Met. To our knowledge, this variant has not been reported in the literature or in a large population database, indicating this variant is rare. It is interpreted as uncertain significance in ClinVar. At this time, the clinical significance of this variant is uncertain due to the absence of conclusive functional and genetic evidence.

Ambry Genetics
Classification: Uncertain significance for Hereditary cancer-predisposing syndrome. Last evaluated: 2019-10-19. Review status: criteria provided, single submitter. Criteria: Ambry Variant Classification Scheme 2023. Collection method: clinical testing. Allele origin: germline.
Comment: The p.I2142M variant (also known as c.6426C>G), located in coding exon 15 of the APC gene, results from a C to G substitution at nucleotide position 6426. The isoleucine at codon 2142 is replaced by methionine, an amino acid with highly similar properties. This amino acid position is highly conserved in available vertebrate species. In addition, in silico predictors for this gene do not accurately predict pathogenicity. Since supporting evidence is limited at this time, the clinical significance of this alteration remains unclear.